The following is an entry in ClinVar:

ClinVar aggregate classification (germline): Uncertain significance (1 of 4 stars; one submission).

Allele frequency attached by ClinVar (database versions not stated): gnomAD exomes below 0.00001; gnomAD 0.00001; TOPMed 0.00002.
gnomAD v4.1: 2 of 1,613,782 alleles (0.00012%); highest among the groups gnomAD compares: African/African-American, 0.0027%; no homozygotes.

Submission:

Labcorp Genetics (formerly Invitae), Labcorp
Classification: Uncertain significance. Last evaluated: 2022-02-17. Review status: criteria provided, single submitter. Criteria: Invitae Variant Classification Sherloc (09022015). Collection method: clinical testing. Allele origin: germline.
Comment: This sequence change replaces histidine, which is basic and polar, with asparagine, which is neutral and polar, at codon 1542 of the LRP2 protein (p.His1542Asn). This variant is not present in population databases (gnomAD no frequency). This variant has not been reported in the literature in individuals affected with LRP2-related conditions. ClinVar contains an entry for this variant (Variation ID: 1017507). Algorithms developed to predict the effect of missense changes on protein structure and function (SIFT, PolyPhen-2, Align-GVGD) all suggest that this variant is likely to be tolerated. In summary, the available evidence is currently insufficient to determine the role of this variant in disease. Therefore, it has been classified as a Variant of Uncertain Significance.

NM_004525.3(LRP2):c.4624C>A (p.His1542Asn)

Gene: LRP2 (LDL receptor related protein 2; minus strand). Cytogenetic location: 2q31.1.
Variant type: single nucleotide variant.
Coding change: c.4624C>A on transcript NM_004525.3 (MANE Select); coding-DNA position 4624, C replaced by A.
Protein change: p.His1542Asn; replaces histidine 1542 with asparagine.
Molecular consequence: missense variant.
Genome position (GRCh38, 1-based): chr2:169,237,170, G>T on the plus strand (C>A on the coding strand, the complement: LRP2 is on the minus strand). VCF-style: chr2-169237170-G-T. GRCh37 (hg19) VCF-style: chr2-170093680-G-T.
Other names: short protein forms H1542N.
Identifiers: ClinVar variation 1017507 (VCV001017507.6), dbSNP rs946254891, ClinGen allele CA59912282.